The following is an entry in ClinVar:

NM_001010892.3(RSPH4A):c.1531G>A (p.Glu511Lys)

Gene: RSPH4A (radial spoke head component 4A; plus strand). Cytogenetic location: 6q22.1.
Variant type: single nucleotide variant.
Coding change: c.1531G>A on transcript NM_001010892.3 (MANE Select); coding-DNA position 1531, G replaced by A.
Protein change: p.Glu511Lys; replaces glutamic acid 511 with lysine.
Molecular consequence: missense variant.
Genome position (GRCh38, 1-based): chr6:116,628,238, G>A. VCF-style: chr6-116628238-G-A. GRCh37 (hg19) VCF-style: chr6-116949401-G-A.
Other names: c.1531G>A, p.Glu511Lys (NM_001161664.2); short protein forms E511K.
Identifiers: ClinVar variation 948346 (VCV000948346.2), dbSNP rs1221446542, ClinGen allele CA365406700.
Genomic context (GRCh38, chr6:116,628,238, plus strand): 5'-ATTTCAGCAGGAACCCACGTCAGTCCTCTAGGATTTTATCAGTTTGGTGAAGAGGAAGGA[G>A]AGGAGGAGGAAGAGGCAGAAGGTGGGCGAAATAGCTTTGAGGAAAACCCTGATTTTGAAG-3'
Protein context (NP_001010892.1, residues 501-521): GFYQFGEEEG[Glu511Lys]EEEEAEGGRN

ClinVar aggregate classification (germline): Uncertain significance. Review status: criteria provided, multiple submitters, no conflicts (2 of 4 stars). 2 submissions from 2 submitters: Uncertain significance (2). Last evaluated 2025-04-14.

Conditions:
Primary ciliary dyskinesia. Also called: Ciliary dyskinesia. Identifiers: Orphanet 244, MedGen C0008780, MONDO:0016575, HP:0012265.

Allele frequency attached by ClinVar (database versions not stated): TOPMed below 0.00001; gnomAD 0.00001; gnomAD exomes 0.00001.
gnomAD v4.1: 16 of 1,612,694 alleles (0.00099%); highest among the groups gnomAD compares: African/African-American, 0.0013%; no homozygotes.

Submissions (2):

GeneDx
Classification: Uncertain significance. Last evaluated: 2025-04-14. Review status: criteria provided, single submitter. Criteria: GeneDx Variant Classification Process June 2021. Collection method: clinical testing. Allele origin: germline. Affected: yes.
Comment: Not observed at significant frequency in large population cohorts (gnomAD); In silico analysis supports that this missense variant has a deleterious effect on protein structure/function; Has not been previously published as pathogenic or benign to our knowledge

Labcorp Genetics (formerly Invitae), Labcorp
Classification: Uncertain significance for Primary ciliary dyskinesia. Last evaluated: 2019-04-19. Review status: criteria provided, single submitter. Criteria: Invitae Variant Classification Sherloc (09022015). Collection method: clinical testing. Allele origin: germline.
Comment: This sequence change replaces glutamic acid with lysine at codon 511 of the RSPH4A protein (p.Glu511Lys). The glutamic acid residue is weakly conserved and there is a small physicochemical difference between glutamic acid and lysine. This variant is not present in population databases (ExAC no frequency). This variant has not been reported in the literature in individuals with RSPH4A-related conditions. Algorithms developed to predict the effect of missense changes on protein structure and function are either unavailable or do not agree on the potential impact of this missense change (SIFT: "Tolerated"; PolyPhen-2: "Probably Damaging"; Align-GVGD: "Class C0"). In summary, the available evidence is currently insufficient to determine the role of this variant in disease. Therefore, it has been classified as a Variant of Uncertain Significance.